The following is an entry in ClinVar:

ClinVar aggregate classification (germline): Uncertain significance. Review status: criteria provided, multiple submitters, no conflicts (2 of 4 stars). 3 submissions from 3 submitters: Uncertain significance (3). Last evaluated 2025-10-29.

Conditions:
Hereditary cancer-predisposing syndrome. Also called: Tumor predisposition; Hereditary neoplastic syndrome; Neoplastic Syndromes, Hereditary; Hereditary Cancer Syndrome. Identifiers: Orphanet 140162, MedGen C0027672, MeSH D009386, MONDO:0015356.
DICER1-related tumor predisposition. Also called: DICER1-related pleuropulmonary blastoma cancer predisposition syndrome; DICER1 syndrome. Identifiers: Orphanet 284343, MedGen C3839822, MONDO:0100216.

Allele frequency attached by ClinVar (database versions not stated): TOPMed 0.00001.

Submissions (3):

Ambry Genetics
Classification: Uncertain significance for Hereditary cancer-predisposing syndrome. Last evaluated: 2025-10-29. Review status: criteria provided, single submitter. Criteria: Ambry Variant Classification Scheme 2023. Collection method: clinical testing. Allele origin: germline.
Comment: The p.P767S variant (also known as c.2299C>T), located in coding exon 14 of the DICER1 gene, results from a C to T substitution at nucleotide position 2299. The proline at codon 767 is replaced by serine, an amino acid with similar properties. This amino acid position is well conserved in available vertebrate species. In addition, the in silico prediction for this alteration is inconclusive. Based on the available evidence, the clinical significance of this variant remains unclear.

Labcorp Genetics (formerly Invitae), Labcorp
Classification: Uncertain significance for DICER1-related tumor predisposition. Last evaluated: 2025-09-04. Review status: criteria provided, single submitter. Criteria: Invitae Variant Classification Sherloc (09022015). Collection method: clinical testing. Allele origin: germline.
Comment: This sequence change replaces proline, which is neutral and non-polar, with serine, which is neutral and polar, at codon 767 of the DICER1 protein (p.Pro767Ser). This variant is not present in population databases (gnomAD no frequency). This variant has not been reported in the literature in individuals affected with DICER1-related conditions. ClinVar contains an entry for this variant (Variation ID: 1463747). Invitae Evidence Modeling of protein sequence and biophysical properties (such as structural, functional, and spatial information, amino acid conservation, physicochemical variation, residue mobility, and thermodynamic stability) indicates that this missense variant is not expected to disrupt DICER1 protein function with a negative predictive value of 95%. In summary, the available evidence is currently insufficient to determine the role of this variant in disease. Therefore, it has been classified as a Variant of Uncertain Significance.

Blueprint Genetics
Classification: Uncertain significance. Last evaluated: 2023-11-15. Review status: criteria provided, single submitter. Criteria: ACMG Guidelines, 2015. Collection method: clinical testing. Allele origin: germline.

NM_177438.3(DICER1):c.2299C>T (p.Pro767Ser)

Gene: DICER1 (dicer 1, ribonuclease III; minus strand). Cytogenetic location: 14q32.13.
Variant type: single nucleotide variant.
Coding change: c.2299C>T on transcript NM_177438.3 (MANE Select); coding-DNA position 2299, C replaced by T.
Protein change: p.Pro767Ser; replaces proline 767 with serine.
Molecular consequence: missense variant.
Genome position (GRCh38, 1-based): chr14:95,108,461, G>A on the plus strand (C>T on the coding strand, the complement: DICER1 is on the minus strand). VCF-style: chr14-95108461-G-A. GRCh37 (hg19) VCF-style: chr14-95574798-G-A.
Other names: c.2299C>T, p.Pro767Ser (NM_001195573.1, NM_001271282.3, NM_001291628.2 and 1 more transcripts); short protein forms P767S.
Identifiers: ClinVar variation 1463747 (VCV001463747.11), dbSNP rs1283309784, ClinGen allele CA390882345.